The following is an entry in ClinVar:

ClinVar aggregate classification (germline): Pathogenic (1 of 4 stars; one submission).

Conditions:
Hereditary cancer-predisposing syndrome. Also called: Neoplastic Syndromes, Hereditary; Tumor predisposition; Hereditary neoplastic syndrome; Hereditary Cancer Syndrome. Identifiers: Orphanet 140162, MedGen C0027672, MeSH D009386, MONDO:0015356.

Submission:

Ambry Genetics
Classification: Pathogenic for Hereditary cancer-predisposing syndrome. Last evaluated: 2026-08-12. Review status: criteria provided, single submitter. Criteria: Ambry Variant Classification Scheme 2023. Collection method: clinical testing. Allele origin: germline.
Comment: The c.889_901del13insT pathogenic mutation (also known as p.L297_G301delins*), located in coding exon 5 of the MSH3 gene, results from an in-frame deletion of 13 nucleotides (CTGGTGGCAAAAG) and insertion of T at nucleotide positions 889 to 901. This results in the deletion of 5 residues (LVAKG) at codons 297 to 301 resulting in the introduction of a premature stop at codon 297. This variant is considered to be rare based on population cohorts in the Genome Aggregation Database (gnomAD). This variant is expected to result in loss of function by premature protein truncation or nonsense-mediated mRNA decay. As such, this variant is interpreted as a disease-causing mutation.

NM_002439.5(MSH3):c.889_901delinsT (p.Leu297_Gly301delinsTer)

Gene: MSH3 (mutS homolog 3; plus strand). Cytogenetic location: 5q14.1.
Variant type: Indel.
Coding change: c.889_901delinsT on transcript NM_002439.5 (MANE Select); coding-DNA positions 889 to 901, CTGGTGGCAAAAG replaced by T.
Protein change: p.Leu297_Gly301delinsTer.
Molecular consequence: nonsense.
Genome position (GRCh38, 1-based): chr5:80,672,340-80,672,352, CTGGTGGCAAAAG replaced by T. VCF-style: chr5-80672340-CTGGTGGCAAAAG-T. GRCh37 (hg19) VCF-style: chr5-79968159-CTGGTGGCAAAAG-T.
Identifiers: ClinVar variation 5024819 (VCV005024819.1).
Genomic context (GRCh38, chr5:80,672,340, plus strand): 5'-GATCACAACTTTATGACAGCAAGTATACCTACTCACAGACTGTTTGTTCATGTACGCCGC[CTGGTGGCAAAAG>T]GATATAAGGTCAGCTTTGGCTTTAACTTGTGGGGAAAGGAAATTGGGATTCTCCTCCAGA-3'